The following is an entry in ClinVar:

NM_000038.6(APC):c.2185_2189del (p.Leu729fs)

Gene: APC (APC regulator of Wnt signaling pathway; plus strand). Cytogenetic location: 5q22.2.
Variant type: Deletion.
Coding change: c.2185_2189del on transcript NM_000038.6 (MANE Select); coding-DNA positions 2185 to 2189, 5 bases deleted (CTCAT; older notation c.2185_2189delCTCAT).
Protein change: p.Leu729fs; shifts the reading frame from leucine 729.
Molecular consequence: frameshift variant. On other transcripts: non-coding transcript variant (2).
Genome position (GRCh38, 1-based): chr5:112,837,779-112,837,783, CTCAT deleted; deleting any 5 consecutive bases within chr5:112,837,777-112,837,783 gives the same sequence; the c. name uses the placement nearest the transcript's 3' end. VCF-style (leftmost placement, unchanged base first): chr5-112837776-AATCTC-A. GRCh37 (hg19) VCF-style: chr5-112173473-AATCTC-A.
Other names: c.2185_2189del, p.Leu729fs (NM_001127510.3, NM_001354895.2, NM_001407450.1); c.2131_2135del, p.Leu711fs (NM_001127511.3); c.2239_2243del, p.Leu747fs (NM_001354896.2, NM_001407447.1, NM_001407448.1 and 1 more transcripts); c.2215_2219del, p.Leu739fs (NM_001354897.2); c.2110_2114del, p.Leu704fs (NM_001354898.2); c.2101_2105del, p.Leu701fs (NM_001354899.2); c.2062_2066del, p.Leu688fs (NM_001354900.2); c.2008_2012del, p.Leu670fs (NM_001354901.2, NM_001407453.1); and 11 more; short protein forms L345fs, L446fs, L569fs, L600fs, L603fs, L628fs, L638fs, L646fs.
Identifiers: ClinVar variation 4685947 (VCV004685947.1).
Genomic context (GRCh38, chr5:112,837,776, plus strand): 5'-AAGAACCTCATTCATTCAAAGCACAAAATGATTGCTATGGGAAGTGCTGCAGCTTTAAGG[AATCTC>A]ATGGCAAATAGGCCTGCGAAGTACAAGGATGCCAATATTATGTCTCCTGGCTCAAGCTTG-3'

ClinVar aggregate classification (germline): Likely pathogenic (1 of 4 stars; one submission).

Submission:

ARUP Laboratories, Molecular Genetics and Genomics, ARUP Laboratories
Classification: Likely pathogenic. Last evaluated: 2025-07-09. Review status: criteria provided, single submitter. Criteria: ARUP Molecular Germline Variant Investigation Process 2024. Collection method: clinical testing. Allele origin: germline.
Comment: The APC c.2185_2189del; p.Leu729GlyfsTer3 variant, to our knowledge, is not reported in the medical literature or gene specific databases. This variant is also absent from the Genome Aggregation Database (v2.1.1), indicating it is not a common polymorphism. This variant causes a frameshift by deleting five nucleotides, so it is predicted to result in a truncated protein or mRNA subject to nonsense-mediated decay. Based on available information, this variant is considered to be likely pathogenic.